The following is an entry in ClinVar:

ClinVar aggregate classification (germline): Uncertain significance (1 of 4 stars; one submission).

Conditions:
Inborn genetic diseases. Identifiers: MedGen C0950123, MeSH D030342.

gnomAD v4.1: 3 of 1,612,432 alleles (0.00019%); highest among the groups gnomAD compares: Non-Finnish European, 0.00025%; no homozygotes.

Submission:

Ambry Genetics
Classification: Uncertain significance for Inborn genetic diseases. Last evaluated: 2025-04-05. Review status: criteria provided, single submitter. Criteria: Ambry Variant Classification Scheme 2023. Collection method: clinical testing. Allele origin: germline.
Comment: The p.D894H variant (also known as c.2680G>C), located in coding exon 28 of the RTEL1 gene, results from a G to C substitution at nucleotide position 2680. The aspartic acid at codon 894 is replaced by histidine, an amino acid with similar properties. This amino acid position is conserved. In addition, this alteration is predicted to be tolerated by in silico analysis. Based on the available evidence, the clinical significance of this variant remains unclear.

NM_001283009.2(RTEL1):c.2680G>C (p.Asp894His)

Genes: RTEL1 (regulator of telomere elongation helicase 1; plus strand), RTEL1-TNFRSF6B (RTEL1-TNFRSF6B readthrough (NMD candidate); plus strand). Cytogenetic location: 20q13.33.
Variant type: single nucleotide variant.
Coding change: c.2680G>C on transcript NM_001283009.2 (MANE Select); coding-DNA position 2680, G replaced by C.
Protein change: p.Asp894His; replaces aspartic acid 894 with histidine.
Molecular consequence: missense variant. On other transcripts: non-coding transcript variant (1).
Genome position (GRCh38, 1-based): chr20:63,692,832, G>C. VCF-style: chr20-63692832-G-C. GRCh37 (hg19) VCF-style: chr20-62324185-G-C.
Other names: c.2011G>C, p.Asp671His (NM_001283010.1); c.2680G>C, p.Asp894His (NM_016434.4); c.2752G>C, p.Asp918His (NM_032957.5); short protein forms D894H, D918H, D671H.
Identifiers: ClinVar variation 3948299 (VCV003948299.1).
Genomic context (GRCh38, chr20:63,692,832, plus strand): 5'-GCCCTGATGGAGCCTCGGGCCTGTGTCCTGCAGGAGGAGCCCGTGGCTGGTGCACAGACG[G>C]ACAGGGCCAAGCTCTTCATGGTGGCCGTGAAGCAGGAGTTGAGCCAAGCCAACTTTGCCA-3'
Protein context (NP_001269938.1, residues 884-904): PEEPVAGAQT[Asp894His]RAKLFMVAVK